The following is an entry in ClinVar:

NM_001130987.2(DYSF):c.431del (p.Pro144fs)

Gene: DYSF (dysferlin; plus strand). Cytogenetic location: 2p13.2.
Variant type: Deletion.
Coding change: c.431del on transcript NM_001130987.2 (MANE Select); coding-DNA position 431, one base deleted (C; older notation c.431delC).
Protein change: p.Pro144fs; shifts the reading frame from proline 144.
Molecular consequence: frameshift variant.
Genome position (GRCh38, 1-based): chr2:71,511,892, C deleted; the last of 4 consecutive C bases (chr2:71,511,889-71,511,892); deleting any one gives the same sequence. VCF-style (leftmost placement, unchanged base first): chr2-71511888-TC-T. GRCh37 (hg19) VCF-style: chr2-71739018-TC-T.
Other names: c.431del, p.Pro144fs (NM_001130455.2, NM_001130982.2, NM_001130983.2 and 3 more transcripts); c.428del, p.Pro143fs (NM_001130976.2, NM_001130977.2, NM_001130978.2 and 4 more transcripts); short protein forms P143fs, P144fs.
Identifiers: ClinVar variation 1724799 (VCV001724799.4), dbSNP rs2545377387, ClinGen allele CA2580067767.

ClinVar aggregate classification (germline): Likely pathogenic. Review status: criteria provided, multiple submitters, no conflicts (2 of 4 stars). 2 submissions from 2 submitters: Likely pathogenic (2). Last evaluated 2022-10-18.

Conditions:
Autosomal recessive limb-girdle muscular dystrophy. Identifiers: Orphanet 102015, MedGen C2931907, MONDO:0015152.
Miyoshi muscular dystrophy 1 (MMD1). Identifiers: Orphanet 45448, MedGen C4551973, MONDO:0024545, OMIM 254130.

Submissions (2):

Baylor Genetics
Classification: Likely pathogenic for Miyoshi muscular dystrophy 1. Last evaluated: 2022-10-18. Review status: criteria provided, single submitter. Criteria: ACMG Guidelines, 2015. Collection method: clinical testing. Allele origin: unknown.

Myriad Genetics, Inc.
Classification: Likely pathogenic for Autosomal recessive limb-girdle muscular dystrophy. Last evaluated: 2022-02-28. Review status: criteria provided, single submitter. Criteria: Myriad Autosomal Dominant, Autosomal Recessive and X-Linked Classification Criteria (2023). Collection method: clinical testing. Allele origin: unknown.
Comment: NM_003494.3(DYSF):c.428delC(P143Rfs*8) is expected to be pathogenic in the context of dysferlinopathy. This variant is predicted to lead to an abnormal or absent protein product due to the creation of a premature termination codon in DYSF, a gene where loss-of-function variants are known to be pathogenic. Please note: this variant was assessed in the context of healthy population screening.